The following is an entry in ClinVar:

ClinVar aggregate classification (germline): Uncertain significance (1 of 4 stars; one submission).

gnomAD v4.1: 8 of 1,612,560 alleles (0.0005%); highest among the groups gnomAD compares: Middle Eastern, 0.017%; no homozygotes.

Submission:

Labcorp Genetics (formerly Invitae), Labcorp
Classification: Uncertain significance. Last evaluated: 2025-12-21. Review status: criteria provided, single submitter. Criteria: Invitae Variant Classification Sherloc (09022015). Collection method: clinical testing. Allele origin: germline.
Comment: This sequence change replaces alanine, which is neutral and non-polar, with threonine, which is neutral and polar, at codon 589 of the FOCAD protein (p.Ala589Thr). This variant is present in population databases (rs748992849, gnomAD 0.002%). This variant has not been reported in the literature in individuals affected with FOCAD-related conditions. Experimental studies and prediction algorithms are not available or were not evaluated, and the functional significance of this variant is currently unknown. In summary, the available evidence is currently insufficient to determine the role of this variant in disease. Therefore, it has been classified as a Variant of Uncertain Significance.

NM_001375567.1(FOCAD):c.1765G>A (p.Ala589Thr)

Gene: FOCAD (focadhesin; plus strand). Cytogenetic location: 9p21.3.
Variant type: single nucleotide variant.
Coding change: c.1765G>A on transcript NM_001375567.1 (MANE Select); coding-DNA position 1765, G replaced by A.
Protein change: p.Ala589Thr; replaces alanine 589 with threonine.
Molecular consequence: missense variant.
Genome position (GRCh38, 1-based): chr9:20,821,043, G>A. VCF-style: chr9-20821043-G-A. GRCh37 (hg19) VCF-style: chr9-20821042-G-A.
Other names: c.1660G>A, p.Ala554Thr (NM_001375568.1, NM_001375570.1); c.1765G>A, p.Ala589Thr (NM_017794.5); short protein forms A554T, A589T.
Identifiers: ClinVar variation 4752597 (VCV004752597.1).